The following is an entry in ClinVar:

Conditions:
Breast-ovarian cancer, familial, susceptibility to, 1 (BROVCA1). Also called: BRCA1 Hereditary Breast and Ovarian Cancer; OVARIAN CANCER, SUSCEPTIBILITY TO. Identifiers: Orphanet 145, MedGen C2676676, MONDO:0011450, OMIM 604370. Disease mechanism: loss of function.

Submission:

Brotman Baty Institute, University of Washington
No classification provided (evidence only). Condition: Breast-ovarian cancer, familial 1. Review status: no classification provided. Collection method: in vitro. Allele origin: not applicable. Functional consequence: functionally_normal.
ClinVar note: "not provided" was previously submitted as the classification for the variant. However, the classification appeared to be based only on an observation of functional data so it was converted to no classification on 2025-07-30.

NM_007294.4(BRCA1):c.4943A>T (p.Lys1648Ile)

Gene: BRCA1 (BRCA1 DNA repair associated; minus strand). Cytogenetic location: 17q21.31.
Variant type: single nucleotide variant.
Coding change: c.4943A>T on transcript NM_007294.4 (MANE Select); coding-DNA position 4943, A replaced by T.
Protein change: p.Lys1648Ile; replaces lysine 1648 with isoleucine.
Molecular consequence: missense variant. On other transcripts: non-coding transcript variant (1).
Genome position (GRCh38, 1-based): chr17:43,070,971, T>A on the plus strand (A>T on the coding strand, the complement: BRCA1 is on the minus strand). VCF-style: chr17-43070971-T-A. GRCh37 (hg19) VCF-style: chr17-41222988-T-A.
Other names: c.4730A>T, p.Lys1577Ile (NM_001407571.1, NM_001407896.1, NM_001407897.1 and 12 more transcripts); c.5009A>T, p.Lys1670Ile (NM_001407581.1, NM_001407582.1); c.5006A>T, p.Lys1669Ile (NM_001407583.1, NM_001407585.1, NM_001407587.1 and 1 more transcripts); c.5003A>T, p.Lys1668Ile (NM_001407590.1, NM_001407591.1); c.4943A>T, p.Lys1648Ile (NM_001407593.1, NM_001407594.1, NM_001407596.1 and 8 more transcripts); c.4940A>T, p.Lys1647Ile (NM_001407610.1, NM_001407611.1, NM_001407612.1 and 17 more transcripts); c.4937A>T, p.Lys1646Ile (NM_001407627.1, NM_001407628.1, NM_001407629.1 and 14 more transcripts); c.4934A>T, p.Lys1645Ile (NM_001407645.1, NM_001407644.1); and 70 more; short protein forms K1648I, K544I, K1601I, K1669I, K1351I, K1352I, K1521I, K1559I.
Identifiers: ClinVar variation 868435 (VCV000868435.3), dbSNP rs201810810, ClinGen allele CA10591637.